The following is an entry in ClinVar:

ClinVar aggregate classification (germline): Conflicting classifications of pathogenicity. Review status: criteria provided, conflicting classifications (1 of 4 stars). 3 submissions from 3 submitters: Uncertain significance (2); Likely benign (1). Last evaluated 2025-12-15.

Conditions:
TSPAN12-related disorder. Also called: TSPAN12-related condition.

Allele frequency attached by ClinVar (database versions not stated): ExAC 0.00002; gnomAD exomes 0.00002; gnomAD 0.00006 and 0.00007; ESP Exome Variant Server 0.00008; TOPMed 0.00012.
gnomAD v4.1: 20 of 1,612,194 alleles (0.0012%); highest among the groups gnomAD compares: African/African-American, 0.023%; no homozygotes.

Submissions (3):

Labcorp Genetics (formerly Invitae), Labcorp
Classification: Uncertain significance. Last evaluated: 2025-12-15. Review status: criteria provided, single submitter. Criteria: Invitae Variant Classification Sherloc (09022015). Collection method: clinical testing. Allele origin: germline.
Comment: This sequence change falls in intron 6 of the TSPAN12 gene. It does not directly change the encoded amino acid sequence of the TSPAN12 protein. It affects a nucleotide within the consensus splice site. The frequency data for this variant in the population databases is considered unreliable, as metrics indicate poor data quality at this position in the gnomAD database. This variant has not been reported in the literature in individuals affected with TSPAN12-related conditions. ClinVar contains an entry for this variant (Variation ID: 867041). Variants that disrupt the consensus splice site are a relatively common cause of aberrant splicing (PMID: 17576681, 9536098). Algorithms developed to predict the effect of sequence changes on RNA splicing suggest that this variant is not likely to affect RNA splicing. In summary, the available evidence is currently insufficient to determine the role of this variant in disease. Therefore, it has been classified as a Variant of Uncertain Significance.

PreventionGenetics, part of Exact Sciences
Classification: Likely benign for TSPAN12-related condition. Last evaluated: 2025-02-05. Review status: criteria provided, single submitter. Criteria: ACMG Guidelines, 2015. Collection method: clinical testing. Allele origin: germline.
Comment: This variant is classified as likely benign based on ACMG/AMP sequence variant interpretation guidelines (Richards et al. 2015 PMID: 25741868, with internal and published modifications).

Blueprint Genetics
Classification: Uncertain significance. Last evaluated: 2022-11-01. Review status: criteria provided, single submitter. Criteria: ACMG Guidelines, 2015. Collection method: clinical testing. Allele origin: germline.

Literature cited by the submitters: PubMed 17576681 (cited by Labcorp Genetics (formerly Invitae), Labcorp); PubMed 9536098 (cited by Labcorp Genetics (formerly Invitae), Labcorp).

NM_012338.4(TSPAN12):c.469-3C>T

Gene: TSPAN12 (tetraspanin 12; minus strand). Cytogenetic location: 7q31.31.
Variant type: single nucleotide variant.
Coding change: c.469-3C>T on transcript NM_012338.4 (MANE Select); 3 bases into the intron before coding-DNA position 469, C replaced by T.
Molecular consequence: intron variant.
Genome position (GRCh38, 1-based): chr7:120,806,695, G>A on the plus strand (C>T on the coding strand, the complement: TSPAN12 is on the minus strand). VCF-style: chr7-120806695-G-A. GRCh37 (hg19) VCF-style: chr7-120446749-G-A.
Identifiers: ClinVar variation 867041 (VCV000867041.10), dbSNP rs371866127, ClinGen allele CA4453870.
Genomic context (GRCh38, chr7:120,806,695, plus strand): 5'-AGTCCATCTCTGTCATTTCCAACCAGTCAGTGAAATATACTACTCCACAGCACTTAAACT[G>A]CAAAAAAAATCACTAGTCAGCCTCAGAAACCACAAAAATATTTTCTTAACTTATAGGAGA-3'